The following is an entry in ClinVar:

ClinVar aggregate classification (germline): Pathogenic (1 of 4 stars; one submission).

Submission:

Labcorp Genetics (formerly Invitae), Labcorp
Classification: Pathogenic. Last evaluated: 2024-06-05. Review status: criteria provided, single submitter. Criteria: Invitae Variant Classification Sherloc (09022015). Collection method: clinical testing. Allele origin: germline.
Comment: This sequence change creates a premature translational stop signal (p.Gln414*) in the ERCC6 gene. It is expected to result in an absent or disrupted protein product. Loss-of-function variants in ERCC6 are known to be pathogenic (PMID: 18628313, 29572252). This variant is not present in population databases (gnomAD no frequency). This variant has not been reported in the literature in individuals affected with ERCC6-related conditions. For these reasons, this variant has been classified as Pathogenic.

Literature cited by the submitters: PubMed 18628313; PubMed 29572252.

NM_000124.4(ERCC6):c.1240C>T (p.Gln414Ter)

Genes: ERCC6 (ERCC excision repair 6, chromatin remodeling factor; minus strand), PGBD3 (piggyBac transposable element derived 3; minus strand). Cytogenetic location: 10q11.23.
Variant type: single nucleotide variant.
Coding change: c.1240C>T on transcript NM_000124.4 (MANE Select); coding-DNA position 1240, C replaced by T.
Protein change: p.Gln414Ter; replaces glutamine 414 with a stop codon.
Molecular consequence: nonsense. On other transcripts: 5 prime UTR variant (1).
Genome position (GRCh38, 1-based): chr10:49,524,190, G>A on the plus strand (C>T on the coding strand, the complement: ERCC6 is on the minus strand). VCF-style: chr10-49524190-G-A. GRCh37 (hg19) VCF-style: chr10-50732236-G-A.
Other names: c.1240C>T, p.Gln414Ter (NM_001277058.2, NM_001277059.2, NM_001346440.2); c.-165C>T (NM_170753.3); short protein forms Q414*.
Identifiers: ClinVar variation 2814817 (VCV002814817.3), dbSNP rs2496138465, ClinGen allele CA376752354.